The following is an entry in ClinVar:

ClinVar aggregate classification (germline): Conflicting classifications of pathogenicity. Review status: criteria provided, conflicting classifications (1 of 4 stars). 3 submissions from 3 submitters: Uncertain significance (2); Benign (1). Last evaluated 2025-03-03.

Conditions:
Cardiovascular phenotype. Identifiers: MedGen CN230736.
Familial hypobetalipoproteinemia 1. Also called: Hypobetalipoproteinemia, normotriglyceridemic; Acanthocytosis with hypobetalipoproteinemia; APOB-Related Familial Hypobetalipoproteinemia. Identifiers: MedGen C4551990, MONDO:0014252, OMIM 615558.
Hypercholesterolemia, autosomal dominant, type B (FHCL2). Also called: Familial Hypercholesterolemia Type B; APOLIPOPROTEIN B-100, FAMILIAL DEFECTIVE; APOLIPOPROTEIN B-100, FAMILIAL LIGAND-DEFECTIVE; HYPERCHOLESTEROLEMIA, FAMILIAL, DUE TO LIGAND-DEFECTIVE APOLIPOPROTEIN B; Familial hypercholesterolemia 2; APOB-Related Familial Hypercholesterolemia, Autosomal Dominant. Identifiers: MedGen C1704417, MONDO:0007751, OMIM 144010.

Allele frequency attached by ClinVar (database versions not stated): gnomAD exomes below 0.00001; ExAC 0.00002; gnomAD 0.00003; TOPMed 0.00003; ESP Exome Variant Server 0.00023.

Submissions (3):

Ambry Genetics
Classification: Uncertain significance for Cardiovascular phenotype. Last evaluated: 2025-03-03. Review status: criteria provided, single submitter. Criteria: Ambry Variant Classification Scheme 2023. Collection method: clinical testing. Allele origin: germline.
Comment: The p.S3494L variant (also known as c.10481C>T), located in coding exon 26 of the APOB gene, results from a C to T substitution at nucleotide position 10481. The serine at codon 3494 is replaced by leucine, an amino acid with dissimilar properties. This amino acid position is conserved. In addition, this alteration is predicted to be tolerated by in silico analysis. Since supporting evidence is limited at this time, the clinical significance of this alteration remains unclear.

Labcorp Genetics (formerly Invitae), Labcorp
Classification: Benign for Familial hypobetalipoproteinemia 1; Hypercholesterolemia, autosomal dominant, type B. Last evaluated: 2024-02-17. Review status: criteria provided, single submitter. Criteria: Invitae Variant Classification Sherloc (09022015). Collection method: clinical testing. Allele origin: germline.

GeneDx
Classification: Uncertain significance. Last evaluated: 2023-03-02. Review status: criteria provided, single submitter. Criteria: GeneDx Variant Classification Process June 2021. Collection method: clinical testing. Allele origin: germline. Affected: yes.
Comment: Not observed at significant frequency in large population cohorts (gnomAD); In silico analysis supports that this missense variant has a deleterious effect on protein structure/function; Has not been previously published as pathogenic or benign to our knowledge

NM_000384.3(APOB):c.10481C>T (p.Ser3494Leu)

Gene: APOB (apolipoprotein B; minus strand). Cytogenetic location: 2p24.1.
Variant type: single nucleotide variant.
Coding change: c.10481C>T on transcript NM_000384.3 (MANE Select); coding-DNA position 10481, C replaced by T.
Protein change: p.Ser3494Leu; replaces serine 3494 with leucine.
Molecular consequence: missense variant.
Genome position (GRCh38, 1-based): chr2:21,006,387, G>A on the plus strand (C>T on the coding strand, the complement: APOB is on the minus strand). VCF-style: chr2-21006387-G-A. GRCh37 (hg19) VCF-style: chr2-21229259-G-A.
Other names: short protein forms S3494L.
Identifiers: ClinVar variation 1775907 (VCV001775907.6), dbSNP rs143227390, ClinGen allele CA043676.